The following is an entry in ClinVar:

ClinVar aggregate classification (germline): Benign (1 of 4 stars; one submission).

Allele frequency attached by ClinVar (database versions not stated): 1000 Genomes Project 0.57069; 1000 Genomes Project 30x 0.57464; TOPMed 0.64065; gnomAD 0.67054 and 0.67070.
gnomAD v4.1: 102,152 of 151,986 alleles (67%); highest among the groups gnomAD compares: Non-Finnish European, 81%; 36,476 homozygotes.

Submission:

GeneDx
Classification: Benign. Last evaluated: 2018-06-18. Review status: criteria provided, single submitter. Criteria: GeneDx Variant Classification (06012015). Collection method: clinical testing. Allele origin: germline. Affected: yes.
Comment: This variant is considered likely benign or benign based on one or more of the following criteria: it is a conservative change, it occurs at a poorly conserved position in the protein, it is predicted to be benign by multiple in silico algorithms, and/or has population frequency not consistent with disease.

NM_213599.3(ANO5):c.364-300T>C

Gene: ANO5 (anoctamin 5; plus strand). Cytogenetic location: 11p14.3.
Variant type: single nucleotide variant.
Coding change: c.364-300T>C on transcript NM_213599.3 (MANE Select); 300 bases into the intron before coding-DNA position 364, T replaced by C.
Molecular consequence: intron variant.
Genome position (GRCh38, 1-based): chr11:22,227,002, T>C. VCF-style: chr11-22227002-T-C. GRCh37 (hg19) VCF-style: chr11-22248548-T-C.
Other names: c.361-300T>C (NM_001142649.2).
Identifiers: ClinVar variation 667965 (VCV000667965.1), dbSNP rs4617581, ClinGen allele CA16412030.